The following is an entry in ClinVar:

ClinVar aggregate classification (germline): Conflicting classifications of pathogenicity. Review status: criteria provided, conflicting classifications (1 of 4 stars). 5 submissions from 5 submitters: Uncertain significance (1); Benign (2); Likely benign (1). 1 of the submissions does not count toward it. Last evaluated 2025-12-26.

Conditions:
KMT2D-related disorder. Also called: KMT2D-Related Disorders.
Kabuki syndrome. Also called: NIIKAWA-KUROKI SYNDROME; Kabuki make-up syndrome. Identifiers: Orphanet 2322, MedGen C0796004, MONDO:0016512.

Allele frequency attached by ClinVar (database versions not stated): ESP Exome Variant Server 0.00024; TOPMed 0.00036; 1000 Genomes Project 0.00060; 1000 Genomes Project 30x 0.00062.
gnomAD v4.1: 90 of 1,521,412 alleles (0.0059%); highest among the groups gnomAD compares: African/African-American, 0.11%; no homozygotes.

Submissions (5):

Labcorp Genetics (formerly Invitae), Labcorp
Classification: Benign for Kabuki syndrome. Last evaluated: 2025-12-26. Review status: criteria provided, single submitter. Criteria: Invitae Variant Classification Sherloc (09022015). Collection method: clinical testing. Allele origin: germline.

Blueprint Genetics
Classification: Likely benign. Last evaluated: 2022-12-08. Review status: criteria provided, single submitter. Criteria: ACMG Guidelines, 2015. Collection method: clinical testing. Allele origin: germline.

GeneDx
Classification: Benign. Last evaluated: 2020-10-13. Review status: criteria provided, single submitter. Criteria: GeneDx Variant Classification Process June 2021. Collection method: clinical testing. Allele origin: germline. Affected: yes.

Eurofins Ntd Llc (ga)
Classification: Uncertain significance. Last evaluated: 2015-11-23. Review status: criteria provided, single submitter. Criteria: EGL Classification Definitions 2015. Collection method: clinical testing. Allele origin: germline. Observed: 1 variant allele, 1 heterozygote.

PreventionGenetics, part of Exact Sciences
Classification: Likely benign for KMT2D-related condition. Last evaluated: 2019-10-11. Review status: no assertion criteria provided. Collection method: clinical testing. Allele origin: germline. Not counted in ClinVar's aggregate classification.
Comment: This variant is classified as likely benign based on ACMG/AMP sequence variant interpretation guidelines (Richards et al. 2015 PMID: 25741868, with internal and published modifications).

NM_003482.4(KMT2D):c.2551C>T (p.Leu851=)

Gene: KMT2D (lysine methyltransferase 2D; minus strand). Cytogenetic location: 12q13.12.
Variant type: single nucleotide variant.
Coding change: c.2551C>T on transcript NM_003482.4 (MANE Select); coding-DNA position 2551, C replaced by T.
Protein change: p.Leu851=; no amino-acid change (leucine 851 retained).
Molecular consequence: synonymous variant.
Genome position (GRCh38, 1-based): chr12:49,051,132, G>A on the plus strand (C>T on the coding strand, the complement: KMT2D is on the minus strand). VCF-style: chr12-49051132-G-A. GRCh37 (hg19) VCF-style: chr12-49444915-G-A.
Identifiers: ClinVar variation 285014 (VCV000285014.19), dbSNP rs186151848, ClinGen allele CA6548239.
Genomic context (GRCh38, chr12:49,051,132, plus strand): 5'-GCTCCTCAGGGGGCTTTTCAGGCCGAGGGGACAGGGGTGGCTTCTCAAGCTCAGGGGACA[G>A]ATGCGATTCCTCAGGCCGGGGGGACAGGCATGGCTCCTCAGACTGGGGGGACAGGTGTGA-3'
Protein context (NP_003473.3, residues 841-861): CLSPRPEESH[Leu851=]SPELEKPPLS